The following is an entry in ClinVar:

NM_005477.3(HCN4):c.1090G>A (p.Asp364Asn)

Genes: HCN4 (hyperpolarization activated cyclic nucleotide gated potassium channel 4; minus strand), LOC105370890 (uncharacterized LOC105370890; plus strand), LOC126862173 (CDK7 strongly-dependent group 2 enhancer GRCh37_chr15:73635762-73636961; plus strand). Cytogenetic location: 15q24.1.
Variant type: single nucleotide variant.
Coding change: c.1090G>A on transcript NM_005477.3 (MANE Select); coding-DNA position 1090, G replaced by A.
Protein change: p.Asp364Asn; replaces aspartic acid 364 with asparagine.
Molecular consequence: missense variant.
Genome position (GRCh38, 1-based): chr15:73,343,504, C>T on the plus strand (G>A on the coding strand, the complement: HCN4 is on the minus strand). VCF-style: chr15-73343504-C-T. GRCh37 (hg19) VCF-style: chr15-73635845-C-T.
Other names: short protein forms D364N.
Identifiers: ClinVar variation 412784 (VCV000412784.35), dbSNP rs151004999, ClinGen allele CA7649370.

ClinVar aggregate classification (germline): Benign/Likely benign. Review status: criteria provided, multiple submitters, no conflicts (2 of 4 stars). 7 submissions from 7 submitters: Benign (1); Likely benign (4). 2 of the submissions do not count toward it. Last evaluated 2026-02-03.

Conditions:
Cardiovascular phenotype. Identifiers: MedGen CN230736.
Sick sinus syndrome 2, autosomal dominant (SSS2). Also called: SINUS BRADYCARDIA SYNDROME, FAMILIAL, AUTOSOMAL DOMINANT; SINUS NODE DISEASE, FAMILIAL, AUTOSOMAL DOMINANT; ATRIAL FIBRILLATION WITH BRADYARRHYTHMIA; SICK SINUS SYNDROME 2; SICK SINUS SYNDROME 2 WITH OR WITHOUT CARDIAC NONCOMPACTION AND/OR ASCENDING AORTA DILATION. Identifiers: Orphanet 166282, MedGen C1834144, MONDO:0008102, OMIM 163800.
Brugada syndrome 8 (BRGDA8). Identifiers: Orphanet 130, MedGen C2751083, MONDO:0013148, OMIM 613123.

Allele frequency attached by ClinVar (database versions not stated): ESP Exome Variant Server 0.00015; ExAC 0.00026; gnomAD exomes 0.00026; gnomAD 0.00029; TOPMed 0.00036.
gnomAD v4.1: 557 of 1,614,042 alleles (0.035%); highest among the groups gnomAD compares: Non-Finnish European, 0.035%; 1 homozygote.

Submissions (7):

Labcorp Genetics (formerly Invitae), Labcorp
Classification: Likely benign for Brugada syndrome 8. Last evaluated: 2026-02-03. Review status: criteria provided, single submitter. Criteria: Invitae Variant Classification Sherloc (09022015). Collection method: clinical testing. Allele origin: germline.

Blueprint Genetics
Classification: Likely benign. Last evaluated: 2024-11-21. Review status: criteria provided, single submitter. Criteria: ACMG Guidelines, 2015. Collection method: clinical testing. Allele origin: germline.

Ambry Genetics
Classification: Likely benign for Cardiovascular phenotype. Last evaluated: 2019-01-30. Review status: criteria provided, single submitter. Criteria: Ambry Variant Classification Scheme 2023. Collection method: clinical testing. Allele origin: germline.

GeneDx
Classification: Likely benign. Last evaluated: 2018-05-07. Review status: criteria provided, single submitter. Criteria: GeneDx Variant Classification (06012015). Collection method: clinical testing. Allele origin: germline. Affected: yes.
Comment: This variant is considered likely benign or benign based on one or more of the following criteria: it is a conservative change, it occurs at a poorly conserved position in the protein, it is predicted to be benign by multiple in silico algorithms, and/or has population frequency not consistent with disease.

Illumina Laboratory Services, Illumina
Classification: Benign for Sick sinus syndrome 2, autosomal dominant. Last evaluated: 2018-01-13. Review status: criteria provided, single submitter. Criteria: ICSL Variant Classification Criteria 13 December 2019. Collection method: clinical testing. Allele origin: germline.
Comment: This variant was observed in the ICSL laboratory as part of a predisposition screen in an ostensibly healthy population. It had not been previously curated by ICSL or reported in the Human Gene Mutation Database (HGMD: prior to June 1st, 2018), and was therefore a candidate for classification through an automated scoring system. Utilizing variant allele frequency, disease prevalence and penetrance estimates, and inheritance mode, an automated score was calculated to assess if this variant is too frequent to cause the disease. Based on the score and internal cut-off values, a variant classified as benign is not then subjected to further curation. The score for this variant resulted in a classification of benign for this disease.

Clinical Genetics, Academic Medical Center
Classification: Likely benign. Review status: no assertion criteria provided. Collection method: clinical testing. Allele origin: germline. Affected: yes. Study: VKGL Data-share Consensus. Not counted in ClinVar's aggregate classification.

Joint Genome Diagnostic Labs from Nijmegen and Maastricht, Radboudumc and MUMC+
Classification: Likely benign. Review status: no assertion criteria provided. Collection method: clinical testing. Allele origin: germline. Affected: yes. Study: VKGL Data-share Consensus. Not counted in ClinVar's aggregate classification.